The following is an entry in ClinVar:

ClinVar aggregate classification (germline): Uncertain significance. Review status: criteria provided, multiple submitters, no conflicts (2 of 4 stars). 2 submissions from 2 submitters: Uncertain significance (2). Last evaluated 2024-10-26.

Conditions:
Gastrointestinal stromal tumor. Also called: Gastrointestinal stroma tumor; Gastrointestinal stromal tumor, somatic. Identifiers: Orphanet 44890, MedGen C0238198, MeSH D046152, MONDO:0011719, OMIM 606764, HP:0100723.
Hereditary cancer-predisposing syndrome. Also called: Tumor predisposition; Neoplastic Syndromes, Hereditary; Hereditary Cancer Syndrome; Hereditary neoplastic syndrome. Identifiers: Orphanet 140162, MedGen C0027672, MeSH D009386, MONDO:0015356.

Submissions (2):

Ambry Genetics
Classification: Uncertain significance for Hereditary cancer-predisposing syndrome. Last evaluated: 2024-10-26. Review status: criteria provided, single submitter. Criteria: Ambry Variant Classification Scheme 2023. Collection method: clinical testing. Allele origin: germline.
Comment: The p.R481T variant (also known as c.1442G>C), located in coding exon 9 of the PDGFRA gene, results from a G to C substitution at nucleotide position 1442. The arginine at codon 481 is replaced by threonine, an amino acid with similar properties. This amino acid position is not well conserved in available vertebrate species. In addition, this alteration is predicted to be tolerated by in silico analysis. Based on the available evidence, the clinical significance of this variant remains unclear.

Labcorp Genetics (formerly Invitae), Labcorp
Classification: Uncertain significance for Gastrointestinal stromal tumor. Last evaluated: 2022-07-22. Review status: criteria provided, single submitter. Criteria: Invitae Variant Classification Sherloc (09022015). Collection method: clinical testing. Allele origin: germline.
Comment: This variant has not been reported in the literature in individuals affected with PDGFRA-related conditions. This sequence change replaces arginine, which is basic and polar, with threonine, which is neutral and polar, at codon 481 of the PDGFRA protein (p.Arg481Thr). This variant is not present in population databases (gnomAD no frequency). Algorithms developed to predict the effect of missense changes on protein structure and function (SIFT, PolyPhen-2, Align-GVGD) all suggest that this variant is likely to be tolerated. In summary, the available evidence is currently insufficient to determine the role of this variant in disease. Therefore, it has been classified as a Variant of Uncertain Significance.

NM_006206.6(PDGFRA):c.1442G>C (p.Arg481Thr)

Gene: PDGFRA (platelet derived growth factor receptor alpha; plus strand). Cytogenetic location: 4q12.
Variant type: single nucleotide variant.
Coding change: c.1442G>C on transcript NM_006206.6 (MANE Select); coding-DNA position 1442, G replaced by C.
Protein change: p.Arg481Thr; replaces arginine 481 with threonine.
Molecular consequence: missense variant.
Genome position (GRCh38, 1-based): chr4:54,273,614, G>C. VCF-style: chr4-54273614-G-C. GRCh37 (hg19) VCF-style: chr4-55139781-G-C.
Other names: c.1442G>C, p.Arg481Thr (NM_001347827.2, NM_001347829.2); c.1517G>C, p.Arg506Thr (NM_001347828.2); c.1481G>C, p.Arg494Thr (NM_001347830.2); short protein forms R481T, R494T, R506T.
Identifiers: ClinVar variation 1713298 (VCV001713298.9), dbSNP rs2110292105, ClinGen allele CA356892574.